The following is an entry in ClinVar:

ClinVar aggregate classification (germline): Uncertain significance (1 of 4 stars; one submission).

Allele frequency attached by ClinVar (database versions not stated): gnomAD 0.00001; ExAC 0.00001.

Submission:

Labcorp Genetics (formerly Invitae), Labcorp
Classification: Uncertain significance. Last evaluated: 2025-05-01. Review status: criteria provided, single submitter. Criteria: Invitae Variant Classification Sherloc (09022015). Collection method: clinical testing. Allele origin: germline.
Comment: This sequence change replaces proline, which is neutral and non-polar, with leucine, which is neutral and non-polar, at codon 19 of the IKZF1 protein (p.Pro19Leu). This variant is present in population databases (rs752227855, gnomAD 0.007%). This variant has not been reported in the literature in individuals affected with IKZF1-related conditions. ClinVar contains an entry for this variant (Variation ID: 2880752). An algorithm developed to predict the effect of missense changes on protein structure and function (PolyPhen-2) suggests that this variant is likely to be tolerated. In summary, the available evidence is currently insufficient to determine the role of this variant in disease. Therefore, it has been classified as a Variant of Uncertain Significance.

NM_006060.6(IKZF1):c.56C>T (p.Pro19Leu)

Gene: IKZF1 (IKAROS family zinc finger 1; plus strand). Cytogenetic location: 7p12.2.
Variant type: single nucleotide variant.
Coding change: c.56C>T on transcript NM_006060.6 (MANE Select); coding-DNA position 56, C replaced by T.
Protein change: p.Pro19Leu; replaces proline 19 with leucine.
Molecular consequence: missense variant.
Genome position (GRCh38, 1-based): chr7:50,327,653, C>T. VCF-style: chr7-50327653-C-T. GRCh37 (hg19) VCF-style: chr7-50367249-C-T.
Other names: c.56C>T, p.Pro19Leu (NM_001220765.3, NM_001220767.2, NM_001220768.2 and 14 more transcripts); short protein forms P19L.
Identifiers: ClinVar variation 2880752 (VCV002880752.3), dbSNP rs752227855, ClinGen allele CA4261196.
Genomic context (GRCh38, chr7:50,327,653, plus strand): 5'-CTTGACCATGACCGCCCGAGACTCACACTTCTTCTTTCTCATCAGGGAAGGAAAGCCCCC[C>T]TGTAAGCGATACTCCAGATGAGGGCGATGAGCCCATGCCGATCCCCGAGGACCTCTCCAC-3'
Protein context (NP_006051.1, residues 9-29): MSQVSGKESP[Pro19Leu]VSDTPDEGDE